The following is an entry in ClinVar:

ClinVar aggregate classification (germline): Uncertain significance (1 of 4 stars; one submission).

Conditions:
Hyperkalemic periodic paralysis. Also called: Familial hyperkalemic periodic paralysis; Gamstorp disease. Identifiers: Orphanet 682, MedGen C0238357, MONDO:0008224, OMIM 170500, HP:0007215.

Allele frequency attached by ClinVar (database versions not stated): gnomAD exomes below 0.00001; gnomAD 0.00001; TOPMed 0.00001.

Submission:

Labcorp Genetics (formerly Invitae), Labcorp
Classification: Uncertain significance for Hyperkalemic periodic paralysis. Last evaluated: 2023-02-04. Review status: criteria provided, single submitter. Criteria: Invitae Variant Classification Sherloc (09022015). Collection method: clinical testing. Allele origin: germline.
Comment: This sequence change replaces serine, which is neutral and polar, with threonine, which is neutral and polar, at codon 363 of the SCN4A protein (p.Ser363Thr). This variant is not present in population databases (gnomAD no frequency). This variant has not been reported in the literature in individuals affected with SCN4A-related conditions. Advanced modeling of protein sequence and biophysical properties (such as structural, functional, and spatial information, amino acid conservation, physicochemical variation, residue mobility, and thermodynamic stability) performed at Invitae indicates that this missense variant is not expected to disrupt SCN4A protein function. In summary, the available evidence is currently insufficient to determine the role of this variant in disease. Therefore, it has been classified as a Variant of Uncertain Significance.

NM_000334.4(SCN4A):c.1088G>C (p.Ser363Thr)

Gene: SCN4A (sodium voltage-gated channel alpha subunit 4; minus strand). Cytogenetic location: 17q23.3.
Variant type: single nucleotide variant.
Coding change: c.1088G>C on transcript NM_000334.4 (MANE Select); coding-DNA position 1088, G replaced by C.
Protein change: p.Ser363Thr; replaces serine 363 with threonine.
Molecular consequence: missense variant.
Genome position (GRCh38, 1-based): chr17:63,966,493, C>G on the plus strand (G>C on the coding strand, the complement: SCN4A is on the minus strand). VCF-style: chr17-63966493-C-G. GRCh37 (hg19) VCF-style: chr17-62043853-C-G.
Other names: short protein forms S363T.
Identifiers: ClinVar variation 2729352 (VCV002729352.3), dbSNP rs1265535231, ClinGen allele CA400636714.